The following is an entry in ClinVar:

ClinVar aggregate classification (germline): Uncertain significance (1 of 4 stars; one submission).

Conditions:
Congenital contractural arachnodactyly (CCA). Also called: BEALS SYNDROME; Beals-Hecht syndrome; Arthrogryposis, distal, type 9. Identifiers: Orphanet 115, MedGen C0220668, MONDO:0007363, OMIM 121050.

Allele frequency attached by ClinVar (database versions not stated): gnomAD exomes below 0.00001.
gnomAD v4.1: 1 of 1,614,060 alleles (0.000062%); highest among the groups gnomAD compares: Non-Finnish European, 0.000085%; no homozygotes.

Submission:

Labcorp Genetics (formerly Invitae), Labcorp
Classification: Uncertain significance for Congenital contractural arachnodactyly. Last evaluated: 2023-10-17. Review status: criteria provided, single submitter. Criteria: Invitae Variant Classification Sherloc (09022015). Collection method: clinical testing. Allele origin: germline.
Comment: This sequence change replaces tyrosine, which is neutral and polar, with histidine, which is basic and polar, at codon 96 of the FBN2 protein (p.Tyr96His). This variant is not present in population databases (gnomAD no frequency). This variant has not been reported in the literature in individuals affected with FBN2-related conditions. Advanced modeling of protein sequence and biophysical properties (such as structural, functional, and spatial information, amino acid conservation, physicochemical variation, residue mobility, and thermodynamic stability) has been performed at Invitae for this missense variant, however the output from this modeling did not meet the statistical confidence thresholds required to predict the impact of this variant on FBN2 protein function. In summary, the available evidence is currently insufficient to determine the role of this variant in disease. Therefore, it has been classified as a Variant of Uncertain Significance.

NM_001999.4(FBN2):c.286T>C (p.Tyr96His)

Gene: FBN2 (fibrillin 2; minus strand). Cytogenetic location: 5q23.3.
Variant type: single nucleotide variant.
Coding change: c.286T>C on transcript NM_001999.4 (MANE Select); coding-DNA position 286, T replaced by C.
Protein change: p.Tyr96His; replaces tyrosine 96 with histidine.
Molecular consequence: missense variant.
Genome position (GRCh38, 1-based): chr5:128,536,453, A>G on the plus strand (T>C on the coding strand, the complement: FBN2 is on the minus strand). VCF-style: chr5-128536453-A-G. GRCh37 (hg19) VCF-style: chr5-127872146-A-G.
Other names: short protein forms Y96H.
Identifiers: ClinVar variation 2799337 (VCV002799337.3), dbSNP rs2479825670, ClinGen allele CA360761458.